The following is an entry in ClinVar:

ClinVar aggregate classification (germline): Likely benign. Review status: criteria provided, multiple submitters, no conflicts (2 of 4 stars). 2 submissions from 2 submitters: Likely benign (2). Last evaluated 2025-08-10.

Allele frequency attached by ClinVar (database versions not stated): 1000 Genomes Project 30x 0.00125; 1000 Genomes Project 0.00140; ExAC 0.00312; gnomAD 0.00320; TOPMed 0.00320; ESP Exome Variant Server 0.00507; gnomAD exomes 0.00541.
gnomAD v4.1: 8,374 of 1,613,724 alleles (0.52%); highest among the groups gnomAD compares: Non-Finnish European, 0.65%; 26 homozygotes.

Submissions (4):

Ambry Genetics
Classification: Likely benign. Last evaluated: 2025-08-10. Review status: criteria provided, single submitter. Criteria: Ambry Variant Classification Scheme 2023. Collection method: clinical testing. Allele origin: germline.

CeGaT Center for Human Genetics Tuebingen
Classification: Likely benign. Last evaluated: 2023-02-01. Review status: criteria provided, single submitter. Criteria: CeGaT Center For Human Genetics Tuebingen Variant Classification Criteria Version 2. Collection method: clinical testing. Allele origin: germline. Affected: yes. Observed: 1 variant allele.
Comment: ASB6: BS2

Dr. Peter K. Rogan Lab, Western University
No classification provided (evidence only). Condition: Malignant tumor of urinary bladder. Review status: no classification provided. Collection method: in vitro. Allele origin: not applicable. Functional consequence: retained intron. Not counted in ClinVar's aggregate classification.

Dr. Peter K. Rogan Lab, Western University
No classification provided (evidence only). Condition: Malignant tumor of urinary bladder. Review status: no classification provided. Collection method: in vitro. Allele origin: not applicable. Functional consequence: retained intron. Not counted in ClinVar's aggregate classification.

NM_017873.4(ASB6):c.675G>A (p.Val225=)

Gene: ASB6 (ankyrin repeat and SOCS box containing 6; minus strand). Cytogenetic location: 9q34.11.
Variant type: single nucleotide variant.
Coding change: c.675G>A on transcript NM_017873.4 (MANE Select); coding-DNA position 675, G replaced by A.
Protein change: p.Val225=; no amino-acid change (valine 225 retained).
Molecular consequence: synonymous variant. On other transcripts: nonsense (1).
Genome position (GRCh38, 1-based): chr9:129,638,381, C>T on the plus strand (G>A on the coding strand, the complement: ASB6 is on the minus strand). VCF-style: chr9-129638381-C-T. GRCh37 (hg19) VCF-style: chr9-132400660-C-T.
Other names: NC_000009.11:g.132400660C>T; c.675G>A (NM_017873.3); c.588G>A, p.Val196= (NM_001202403.2); c.566G>A, p.Trp189Ter (NM_177999.3); short protein forms W189*.
Identifiers: ClinVar variation 2659573 (VCV002659573.26), dbSNP rs151279028, ClinGen allele CA5277554.